The following is an entry in ClinVar:

NM_000179.3(MSH6):c.3903_3909dup (p.Arg1304fs)

Gene: MSH6 (mutS homolog 6; plus strand). Cytogenetic location: 2p16.3.
Variant type: Duplication.
Coding change: c.3903_3909dup on transcript NM_000179.3 (MANE Select); coding-DNA positions 3903 to 3909, 7 bases duplicated (TGCAGCA; older notation c.3903_3909dupTGCAGCA).
Protein change: p.Arg1304fs; shifts the reading frame from arginine 1304.
Molecular consequence: frameshift variant.
Genome position (GRCh38, 1-based): chr2:47,806,553-47,806,559, TGCAGCA duplicated; duplicating any 7 consecutive bases within chr2:47,806,552-47,806,559 gives the same sequence; the c. name uses the placement nearest the transcript's 3' end. VCF-style (leftmost placement, unchanged base first): chr2-47806551-A-AATGCAGC. GRCh37 (hg19) VCF-style: chr2-48033690-A-AATGCAGC.
Other names: c.3903_3909dup, p.Arg1304Cysfs (NM_001406808.1, NM_001406809.1, NM_001406796.1); c.2997_3003dup, p.Arg1002Cysfs (NM_001406811.1, NM_001406812.1, NM_001406814.1 and 4 more transcripts); c.3909_3915dup, p.Arg1306Cysfs (NM_001406813.1); c.3606_3612dup, p.Arg1205Cysfs (NM_001406819.1, NM_001406820.1, NM_001406821.1 and 10 more transcripts); c.2337_2343dup, p.Arg782Cysfs (NM_001406817.1); c.3735_3741dup, p.Arg1248Cysfs (NM_001406826.1); c.684_690dup, p.Arg231Cysfs (NM_001406831.1); c.3378_3384dup, p.Arg1129Cysfs (NM_001406807.1, NM_001406799.1, NM_001406806.1); and 10 more; short protein forms R1304fs, R1002fs, R1174fs.
Identifiers: ClinVar variation 1736040 (VCV001736040.2), dbSNP rs2530867485, ClinGen allele CA2580067450.

ClinVar aggregate classification (germline): Pathogenic (1 of 4 stars; one submission).

Conditions:
Hereditary cancer-predisposing syndrome. Also called: Neoplastic Syndromes, Hereditary; Tumor predisposition; Hereditary Cancer Syndrome; Hereditary neoplastic syndrome. Identifiers: Orphanet 140162, MedGen C0027672, MeSH D009386, MONDO:0015356.

Submission:

Ambry Genetics
Classification: Pathogenic for Hereditary cancer-predisposing syndrome. Last evaluated: 2019-12-20. Review status: criteria provided, single submitter. Criteria: Ambry Variant Classification Scheme 2023. Collection method: clinical testing. Allele origin: germline.
Comment: The c.3903_3909dupTGCAGCA pathogenic mutation, located in coding exon 9 of the MSH6 gene, results from a duplication of TGCAGCA at nucleotide position 3903, causing a translational frameshift with a predicted alternate stop codon (p.R1304Cfs*6). This alteration is expected to result in loss of function by premature protein truncation or nonsense-mediated mRNA decay. As such, this alteration is interpreted as a disease-causing mutation.